The following is an entry in ClinVar:

NM_001034853.2(RPGR):c.2935G>T (p.Gly979Trp)

Gene: RPGR (retinitis pigmentosa GTPase regulator; minus strand). Cytogenetic location: Xp11.4.
Variant type: single nucleotide variant.
Coding change: c.2935G>T on transcript NM_001034853.2 (MANE Select); coding-DNA position 2935, G replaced by T.
Protein change: p.Gly979Trp; replaces glycine 979 with tryptophan.
Molecular consequence: missense variant. On other transcripts: intron variant (8).
Genome position (GRCh38, 1-based): chrX:38,286,064, C>A on the plus strand (G>T on the coding strand, the complement: RPGR is on the minus strand). VCF-style: chrX-38286064-C-A. GRCh37 (hg19) VCF-style: chrX-38145317-C-A.
Other names: c.1569+4895G>T (NM_001367249.1, NM_001367250.1); c.1902+1030G>T (NM_001367245.1); c.1386+4895G>T (NM_001367251.1); c.1719+1030G>T (NM_001367246.1); c.1572+4895G>T (NM_001367247.1); c.1905+1030G>T (NM_000328.3); c.1602+4895G>T (NM_001367248.1); short protein forms G979W.
Identifiers: ClinVar variation 2037207 (VCV002037207.4), dbSNP rs2067138677, ClinGen allele CA412729414.
Genomic context (GRCh38, chrX:38,286,064, plus strand): 5'-CTTCTTCTTCCCCTTCCTCCTCTTCCCCCTCCCCTTCTCCTTCCTCCTCTTCCCCCTCCC[C>A]TTCTCCTTCCTCCCCTTCCCCTTCTCCTTCCTCTTCCCCCTCCCCTTCTCCTTCCTCCTC-3'
Protein context (NP_001030025.1, residues 969-989): EGEGEGEEGE[Gly979Trp]EGEEEEGEGE

ClinVar aggregate classification (germline): Uncertain significance (1 of 4 stars; one submission).

Conditions:
Primary ciliary dyskinesia. Also called: Ciliary dyskinesia. Identifiers: Orphanet 244, MedGen C0008780, MONDO:0016575, HP:0012265.

Submission:

Labcorp Genetics (formerly Invitae), Labcorp
Classification: Uncertain significance for Primary ciliary dyskinesia. Last evaluated: 2025-07-03. Review status: criteria provided, single submitter. Criteria: Invitae Variant Classification Sherloc (09022015). Collection method: clinical testing. Allele origin: germline.
Comment: This sequence change replaces glycine, which is neutral and non-polar, with tryptophan, which is neutral and slightly polar, at codon 979 of the RPGR (ORF15) protein (p.Gly979Trp). This variant is not present in population databases (gnomAD no frequency). This variant has not been reported in the literature in individuals affected with RPGR (ORF15)-related conditions. ClinVar contains an entry for this variant (Variation ID: 2037207). Invitae Evidence Modeling of protein sequence and biophysical properties (such as structural, functional, and spatial information, amino acid conservation, physicochemical variation, residue mobility, and thermodynamic stability) indicates that this missense variant is not expected to disrupt RPGR (ORF15) protein function with a negative predictive value of 95%. In summary, the available evidence is currently insufficient to determine the role of this variant in disease. Therefore, it has been classified as a Variant of Uncertain Significance.